The following is an entry in ClinVar:

NM_018297.4(NGLY1):c.35C>A (p.Ser12Ter)

Gene: NGLY1 (N-glycanase 1; minus strand). Cytogenetic location: 3p24.2.
Variant type: single nucleotide variant.
Coding change: c.35C>A on transcript NM_018297.4 (MANE Select); coding-DNA position 35, C replaced by A.
Protein change: p.Ser12Ter; replaces serine 12 with a stop codon.
Molecular consequence: nonsense. On other transcripts: intron variant (1).
Genome position (GRCh38, 1-based): chr3:25,783,356, G>T on the plus strand (C>A on the coding strand, the complement: NGLY1 is on the minus strand). VCF-style: chr3-25783356-G-T. GRCh37 (hg19) VCF-style: chr3-25824847-G-T.
Other names: c.35C>A, p.Ser12Ter (NM_001145293.2, NM_001145295.2); c.6-4668C>A (NM_001145294.2); short protein forms S12*.
Identifiers: ClinVar variation 2882725 (VCV002882725.3), dbSNP rs755653950, ClinGen allele CA351911371.

ClinVar aggregate classification (germline): Pathogenic (1 of 4 stars; one submission).

Conditions:
Congenital disorder of deglycosylation (CDDG). Identifiers: MedGen C3808991, MONDO:0031376.

Allele frequency attached by ClinVar (database versions not stated): TOPMed below 0.00001; gnomAD 0.00001.
gnomAD v4.1: 5 of 1,563,166 alleles (0.00032%); highest among the groups gnomAD compares: Non-Finnish European, 0.00017%; no homozygotes.

Submission:

Labcorp Genetics (formerly Invitae), Labcorp
Classification: Pathogenic for Congenital disorder of deglycosylation. Last evaluated: 2023-02-16. Review status: criteria provided, single submitter. Criteria: Invitae Variant Classification Sherloc (09022015). Collection method: clinical testing. Allele origin: germline.
Comment: For these reasons, this variant has been classified as Pathogenic. This variant has not been reported in the literature in individuals affected with NGLY1-related conditions. This variant is not present in population databases (gnomAD no frequency). This sequence change creates a premature translational stop signal (p.Ser12*) in the NGLY1 gene. It is expected to result in an absent or disrupted protein product. Loss-of-function variants in NGLY1 are known to be pathogenic (PMID: 24651605).

Literature cited by the submitters: PubMed 24651605.